The following is an entry in ClinVar:

ClinVar aggregate classification (germline): Likely pathogenic (1 of 4 stars; one submission).

Conditions:
Osteogenesis imperfecta (OI). Identifiers: Orphanet 666, MedGen C0029434, MeSH D010013, MONDO:0019019.

Submission:

Women's Health and Genetics/Laboratory Corporation of America, LabCorp
Classification: Likely pathogenic for Osteogenesis imperfecta. Last evaluated: 2023-02-22. Review status: criteria provided, single submitter. Criteria: LabCorp Variant Classification Summary - May 2015. Collection method: clinical testing. Allele origin: germline.
Comment: Variant summary: The variant identified by MLPA or other technology involves the deletion of exons 1-3 in the CRTAP gene. A presumed nomenclature of c.(?_-121)_(793+1_794-1)del has been designated for the purposes of this classification. It is expected to result in a large deletion including the initiation codon of the CRTAP gene. The variant was absent in 21694 control chromosomes in gnomAD database, structural variants dataset. To our knowledge, no occurrence of c.(?_-121)_(793+1_794-1)del in individuals affected with Osteogenesis Imperfecta and no experimental evidence demonstrating its impact on protein function have been reported. One clinical diagnostic laboratory has submitted clinical-significance assessments for this variant to ClinVar after 2014 and classified the variant as pathogenic. Deletion of exon 1 have been reported in an individual affected with Osteogenesis imperfecta type III (PMID 27509835). Additionally, deletion of exon 1 (ClinVar ID: 2425587) and exon 2 (ClinVar ID: 988383) are classified pathogenic/likely pathogenic in ClinVar. Based on the evidence outlined above, the deletion of exons 1-3 was classified as likely pathogenic.

NC_000003.11:g.(?_33155449)_(33166072_33171430)del

Gene: CRTAP (cartilage associated protein; plus strand). Cytogenetic location: 3p22.3.
Variant type: Deletion.
Identifiers: ClinVar variation 2445945 (VCV002445945.1).